The following is an entry in ClinVar:

NM_020461.4(TUBGCP6):c.3550C>T (p.Arg1184Trp)

Gene: TUBGCP6 (tubulin gamma complex component 6; minus strand). Cytogenetic location: 22q13.33.
Variant type: single nucleotide variant.
Coding change: c.3550C>T on transcript NM_020461.4 (MANE Select); coding-DNA position 3550, C replaced by T.
Protein change: p.Arg1184Trp; replaces arginine 1184 with tryptophan.
Molecular consequence: missense variant.
Genome position (GRCh38, 1-based): chr22:50,220,809, G>A on the plus strand (C>T on the coding strand, the complement: TUBGCP6 is on the minus strand). VCF-style: chr22-50220809-G-A. GRCh37 (hg19) VCF-style: chr22-50659238-G-A.
Other names: short protein forms R1184W.
Identifiers: ClinVar variation 1379985 (VCV001379985.7), dbSNP rs773111557, ClinGen allele CA10307913.

ClinVar aggregate classification (germline): Uncertain significance. Review status: criteria provided, multiple submitters, no conflicts (2 of 4 stars). 2 submissions from 2 submitters: Uncertain significance (2). Last evaluated 2021-10-22.

Allele frequency attached by ClinVar (database versions not stated): gnomAD 0.00002 and 0.00004; gnomAD exomes 0.00002 and 0.00003; ExAC 0.00003.
gnomAD v4.1: 37 of 1,596,062 alleles (0.0023%); highest among the groups gnomAD compares: Middle Eastern, 0.017%; no homozygotes.

Submissions (2):

Labcorp Genetics (formerly Invitae), Labcorp
Classification: Uncertain significance. Last evaluated: 2021-10-22. Review status: criteria provided, single submitter. Criteria: Invitae Variant Classification Sherloc (09022015). Collection method: clinical testing. Allele origin: germline.
Comment: Algorithms developed to predict the effect of missense changes on protein structure and function are either unavailable or do not agree on the potential impact of this missense change (SIFT: "Deleterious"; PolyPhen-2: "Probably Damaging"; Align-GVGD: "Class C0"). In summary, the available evidence is currently insufficient to determine the role of this variant in disease. Therefore, it has been classified as a Variant of Uncertain Significance. This variant has not been reported in the literature in individuals affected with TUBGCP6-related conditions. This variant is present in population databases (rs773111557, ExAC 0.01%). This sequence change replaces arginine with tryptophan at codon 1184 of the TUBGCP6 protein (p.Arg1184Trp). The arginine residue is weakly conserved and there is a moderate physicochemical difference between arginine and tryptophan.

Breakthrough Genomics
Classification: Uncertain significance. Review status: criteria provided, single submitter. Criteria: ACMG Guidelines, 2015. Collection method: not provided. Allele origin: germline. Inheritance: Autosomal dominant inheritance. Affected: yes.